The following is an entry in ClinVar:

ClinVar aggregate classification (germline): Conflicting classifications of pathogenicity. Review status: criteria provided, conflicting classifications (1 of 4 stars). 2 submissions from 2 submitters: Likely pathogenic (1); Uncertain significance (1). Last evaluated 2022-03-10.

Conditions:
Fanconi anemia complementation group F. Also called: FANCF-Related Fanconi Anemia. Identifiers: Orphanet 84, MedGen C3469526, MONDO:0011325, OMIM 603467.

Submissions (2):

Baylor Genetics
Classification: Likely pathogenic for Fanconi anemia complementation group F. Last evaluated: 2022-03-10. Review status: criteria provided, single submitter. Criteria: ACMG Guidelines, 2015. Collection method: clinical testing. Allele origin: unknown.

Juno Genomics, Hangzhou Juno Genomics, Inc
Classification: Uncertain significance for Fanconi anemia complementation group F. Review status: criteria provided, single submitter. Criteria: ACMG Guidelines, 2015. Collection method: clinical testing. Allele origin: germline.
Comment: Null variant in a gene where loss of function (LOF) is a known mechanism of disease.;Absent from controls (or at extremely low frequency if recessive) in Genome Aggregation Database.

NM_022725.4(FANCF):c.736del (p.Glu246fs)

Gene: FANCF (FA complementation group F; minus strand). Cytogenetic location: 11p14.3.
Variant type: Deletion.
Coding change: c.736del on transcript NM_022725.4 (MANE Select); coding-DNA position 736, one base deleted (G; older notation c.736delG).
Protein change: p.Glu246fs; shifts the reading frame from glutamic acid 246.
Molecular consequence: frameshift variant.
Genome position (GRCh38, 1-based): chr11:22,625,075, C deleted on the plus strand (G on the coding strand, the reverse complement: FANCF is on the minus strand); the first of 2 consecutive C bases (chr11:22,625,075-22,625,076); deleting either gives the same sequence. VCF-style (leftmost placement, unchanged base first): chr11-22625074-TC-T. GRCh37 (hg19) VCF-style: chr11-22646620-TC-T.
Other names: short protein forms E246fs.
Identifiers: ClinVar variation 2675565 (VCV002675565.3), dbSNP rs2494864133, ClinGen allele CA2695201108.